The following is an entry in ClinVar:

ClinVar aggregate classification (germline): Uncertain significance (1 of 4 stars; one submission).

Submission:

Labcorp Genetics (formerly Invitae), Labcorp
Classification: Uncertain significance. Last evaluated: 2025-03-31. Review status: criteria provided, single submitter. Criteria: Invitae Variant Classification Sherloc (09022015). Collection method: clinical testing. Allele origin: germline.
Comment: This sequence change falls in intron 11 of the OGT gene. It does not directly change the encoded amino acid sequence of the OGT protein. It affects a nucleotide within the consensus splice site. This variant is present in population databases (rs752812595, gnomAD 0.008%), including at least one homozygous and/or hemizygous individual. This variant has not been reported in the literature in individuals affected with OGT-related conditions. Variants that disrupt the consensus splice site are a relatively common cause of aberrant splicing (PMID: 17576681, 9536098). Algorithms developed to predict the effect of sequence changes on RNA splicing suggest that this variant is not likely to affect RNA splicing. In summary, the available evidence is currently insufficient to determine the role of this variant in disease. Therefore, it has been classified as a Variant of Uncertain Significance.

Literature cited by the submitters: PubMed 17576681; PubMed 9536098.

NM_181672.3(OGT):c.1422+6_1422+11del

Gene: OGT (O-linked N-acetylglucosamine (GlcNAc) transferase; plus strand). Cytogenetic location: Xq13.1.
Variant type: Deletion.
Coding change: c.1422+6_1422+11del on transcript NM_181672.3 (MANE Select); bases 6 to 11 of the intron after coding-DNA position 1422, 6 bases deleted (GAATAA; older notation c.1422+6_1422+11delGAATAA).
Molecular consequence: intron variant.
Genome position (GRCh38, 1-based): chrX:71,557,302-71,557,307, GAATAA deleted; deleting any 6 consecutive bases within chrX:71,557,300-71,557,307 gives the same sequence; the c. name uses the placement nearest the transcript's 3' end. VCF-style (leftmost placement, unchanged base first): chrX-71557299-AAAGAAT-A. GRCh37 (hg19) VCF-style: chrX-70777149-AAAGAAT-A.
Other names: c.1392+6_1392+11del (NM_181673.3).
Identifiers: ClinVar variation 4799462 (VCV004799462.1).